The following is an entry in ClinVar:

NM_001457.4(FLNB):c.1588G>A (p.Gly530Arg)

Gene: FLNB (filamin B; plus strand). Cytogenetic location: 3p14.3.
Variant type: single nucleotide variant.
Coding change: c.1588G>A on transcript NM_001457.4 (MANE Select); coding-DNA position 1588, G replaced by A.
Protein change: p.Gly530Arg; replaces glycine 530 with arginine.
Molecular consequence: missense variant.
Genome position (GRCh38, 1-based): chr3:58,104,063, G>A. VCF-style: chr3-58104063-G-A. GRCh37 (hg19) VCF-style: chr3-58089790-G-A.
Other names: c.1588G>A, p.Gly530Arg (NM_001164317.2, NM_001164318.2, NM_001164319.2); c.1588G>A (NM_001457.3); short protein forms G530R.
Identifiers: ClinVar variation 2039606 (VCV002039606.31), dbSNP rs773943113, ClinGen allele CA2467855.

ClinVar aggregate classification (germline): Uncertain significance. Review status: criteria provided, multiple submitters, no conflicts (2 of 4 stars). 4 submissions from 4 submitters: Uncertain significance (4). Last evaluated 2025-05-07.

Conditions:
Inborn genetic diseases. Identifiers: MedGen C0950123, MeSH D030342.

Submissions (4):

Ambry Genetics
Classification: Uncertain significance for Inborn genetic diseases. Last evaluated: 2025-05-07. Review status: criteria provided, single submitter. Criteria: Ambry Variant Classification Scheme 2023. Collection method: clinical testing. Allele origin: germline.

Labcorp Genetics (formerly Invitae), Labcorp
Classification: Uncertain significance. Last evaluated: 2025-03-22. Review status: criteria provided, single submitter. Criteria: Invitae Variant Classification Sherloc (09022015). Collection method: clinical testing. Allele origin: germline.
Comment: This sequence change replaces glycine, which is neutral and non-polar, with arginine, which is basic and polar, at codon 530 of the FLNB protein (p.Gly530Arg). This variant is present in population databases (rs773943113, gnomAD 0.01%). This variant has not been reported in the literature in individuals affected with FLNB-related conditions. ClinVar contains an entry for this variant (Variation ID: 2039606). Invitae Evidence Modeling of protein sequence and biophysical properties (such as structural, functional, and spatial information, amino acid conservation, physicochemical variation, residue mobility, and thermodynamic stability) has been performed for this missense variant. However, the output from this modeling did not meet the statistical confidence thresholds required to predict the impact of this variant on FLNB protein function. In summary, the available evidence is currently insufficient to determine the role of this variant in disease. Therefore, it has been classified as a Variant of Uncertain Significance.

CeGaT Center for Human Genetics Tuebingen
Classification: Uncertain significance. Last evaluated: 2022-10-01. Review status: criteria provided, single submitter. Criteria: CeGaT Center For Human Genetics Tuebingen Variant Classification Criteria Version 2. Collection method: clinical testing. Allele origin: germline. Affected: yes. Observed: 1 variant allele.

Revvity Omics, Revvity
Classification: Uncertain significance. Last evaluated: 2022-10-01. Review status: criteria provided, single submitter. Criteria: ACMG Guidelines, 2015. Collection method: clinical testing. Allele origin: germline.